The following is an entry in ClinVar:

NM_182914.3(SYNE2):c.1359T>C (p.Asn453=)

Gene: SYNE2 (spectrin repeat containing nuclear envelope protein 2; plus strand). Cytogenetic location: 14q23.2.
Variant type: single nucleotide variant.
Coding change: c.1359T>C on transcript NM_182914.3 (MANE Select); coding-DNA position 1359, T replaced by C.
Protein change: p.Asn453=; no amino-acid change (asparagine 453 retained).
Molecular consequence: synonymous variant.
Genome position (GRCh38, 1-based): chr14:63,977,970, T>C. VCF-style: chr14-63977970-T-C. GRCh37 (hg19) VCF-style: chr14-64444688-T-C.
Other names: c.1359T>C, p.Asn453= (NM_015180.6).
Identifiers: ClinVar variation 1298584 (VCV001298584.40), dbSNP rs377273531, ClinGen allele CA7219416.

ClinVar aggregate classification (germline): Likely benign. Review status: criteria provided, multiple submitters, no conflicts (2 of 4 stars). 2 submissions from 2 submitters: Likely benign (2). Last evaluated 2026-09-01.

Conditions:
Emery-Dreifuss muscular dystrophy 5, autosomal dominant (EDMD5). Also called: EMERY-DREIFUSS MUSCULAR DYSTROPHY 5. Identifiers: Orphanet 261, MedGen C2751805, MONDO:0013072, OMIM 612999.

Allele frequency attached by ClinVar (database versions not stated): ExAC 0.00008; ESP Exome Variant Server 0.00008; gnomAD exomes 0.00008 and 0.00023; gnomAD 0.00010; TOPMed 0.00011.
gnomAD v4.1: 342 of 1,613,788 alleles (0.021%); highest among the groups gnomAD compares: Non-Finnish European, 0.028%; no homozygotes.

Submissions (2):

CeGaT Center for Human Genetics Tuebingen
Classification: Likely benign. Last evaluated: 2026-09-01. Review status: criteria provided, single submitter. Criteria: CeGaT Center For Human Genetics Tuebingen Variant Classification Criteria Version 2. Collection method: clinical testing. Allele origin: germline. Affected: yes. Observed: 2 variant alleles.
Comment: SYNE2: BP4, BP7

Labcorp Genetics (formerly Invitae), Labcorp
Classification: Likely benign for Emery-Dreifuss muscular dystrophy 5, autosomal dominant. Last evaluated: 2025-11-13. Review status: criteria provided, single submitter. Criteria: Invitae Variant Classification Sherloc (09022015). Collection method: clinical testing. Allele origin: germline.